The following is an entry in ClinVar:

ClinVar aggregate classification (germline): Uncertain significance (1 of 4 stars; one submission).

Conditions:
Breast-ovarian cancer, familial, susceptibility to, 4. Identifiers: Orphanet 145, MedGen C3280345, MONDO:0013669, OMIM 614291.

Submission:

Labcorp Genetics (formerly Invitae), Labcorp
Classification: Uncertain significance for Breast-ovarian cancer, familial, susceptibility to, 4. Last evaluated: 2025-03-30. Review status: criteria provided, single submitter. Criteria: Invitae Variant Classification Sherloc (09022015). Collection method: clinical testing. Allele origin: germline.
Comment: This sequence change replaces leucine, which is neutral and non-polar, with proline, which is neutral and non-polar, at codon 185 of the RAD51D protein (p.Leu185Pro). This variant is not present in population databases (gnomAD no frequency). This variant has not been reported in the literature in individuals affected with RAD51D-related conditions. ClinVar contains an entry for this variant (Variation ID: 1380116). Invitae Evidence Modeling of protein sequence and biophysical properties (such as structural, functional, and spatial information, amino acid conservation, physicochemical variation, residue mobility, and thermodynamic stability) indicates that this missense variant is not expected to disrupt RAD51D protein function with a negative predictive value of 80%. In summary, the available evidence is currently insufficient to determine the role of this variant in disease. Therefore, it has been classified as a Variant of Uncertain Significance.

NM_002878.4(RAD51D):c.554T>C (p.Leu185Pro)

Genes: RAD51L3-RFFL (RAD51L3-RFFL readthrough; minus strand), RAD51D (RAD51 paralog D; minus strand). Cytogenetic location: 17q12.
Variant type: single nucleotide variant.
Coding change: c.554T>C on transcript NM_002878.4 (MANE Select); coding-DNA position 554, T replaced by C.
Protein change: p.Leu185Pro; replaces leucine 185 with proline.
Molecular consequence: missense variant. On other transcripts: non-coding transcript variant (3).
Genome position (GRCh38, 1-based): chr17:35,106,408, A>G on the plus strand (T>C on the coding strand, the complement: RAD51D is on the minus strand). VCF-style: chr17-35106408-A-G. GRCh37 (hg19) VCF-style: chr17-33433427-A-G.
Other names: c.614T>C, p.Leu205Pro (NM_001142571.2); c.218T>C, p.Leu73Pro (NM_133629.3); short protein forms L73P, L205P, L185P.
Identifiers: ClinVar variation 1380116 (VCV001380116.6), dbSNP rs2142429006, ClinGen allele CA399088623.